The following is an entry in ClinVar:

ClinVar aggregate classification (germline): Likely pathogenic. Review status: criteria provided, multiple submitters, no conflicts (2 of 4 stars). 2 submissions from 2 submitters: Likely pathogenic (2). Last evaluated 2025-02-19.

Conditions:
MYH7-related disorder. Also called: MYH7-related disorders; MYH7-related condition; MYH7-related disease.
Myosin storage myopathy (CMYO7A). Also called: MYOPATHY WITH LYSIS OF TYPE I MYOFIBRILS; MYH7-related late-onset scapuloperoneal muscular dystrophy; Congenital myopathy 7A, myosin storage, autosomal dominant; MYOPATHY, HYALINE BODY, AUTOSOMAL DOMINANT; Scapuloperoneal myopathy, MYH7-related; SCAPULOPERONEAL MUSCULAR DYSTROPHY. Identifiers: Orphanet 437572, Orphanet 636965, MedGen C1842160, MONDO:0008409, OMIM 608358.

Submissions (2):

PreventionGenetics, part of Exact Sciences
Classification: Likely pathogenic for MYH7-related condition. Last evaluated: 2025-02-19. Review status: criteria provided, single submitter. Criteria: ACMG Guidelines, 2015. Collection method: clinical testing. Allele origin: germline.
Comment: The MYH7 c.5655+1G>C variant is predicted to disrupt the GT donor site and interfere with normal splicing. To our knowledge, this variant has not been reported in literature. This variant has not been reported in a large population database (gnomAD), indicating this variant is rare. In ClinVar, this variant has been interpreted as likely pathogenic. Alternate variants affecting this splice site (c.5655G>A, c.5655+1G>A, c.5655+4A>T, c.5655+5G>C) which were predicted to result in an inframe deletion of the exon have been reported in individuals with congenital myopathy (Pajusalu et al. 2016. PubMed ID: 26782017; Fiorillo et al. 2016. PubMed ID: 27387980; Table S1, Marchant et al. 2024. PubMed ID: 38544359). This variant is interpreted as likely pathogenic.

Broad Center for Mendelian Genomics, Broad Institute of MIT and Harvard
Classification: Likely pathogenic for Myosin storage myopathy. Last evaluated: 2023-05-02. Review status: criteria provided, single submitter. Criteria: ACMG Guidelines, 2015. Collection method: curation. Allele origin: germline. Inheritance: Autosomal dominant inheritance.
Comment: Trio genome analysis showed this variant to be de novo. The c.5655+1G>C variant in MYH7 has not been previously reported in individuals with MYH7-related late-onset scapuloperoneal muscular dystrophy. This variant has also been reported in ClinVar (Variation ID: 986378) and has been interpreted as likely pathogenic by the Broad Institute Rare Disease Group. This variant was absent from large population studies. A different nucleotide change that also results in a splice donor variant at the same site, c.5655+1G>A (PMID: 27387980, PMID: 30588760, ClinGen Allele Registry ID: CA389034770) has been previously reported likely pathogenic, and the variant being assessed here, c.5655+1G>C, is predicted by SpliceAI to have a similar effect on splicing. Multiple variants in the same region as c.5655+1G>C (i.e., the splice donor region of exon 38) have been reported in association with disease in literature, suggesting that this variant is in a hot spot and slightly supports pathogenicity (PMID: 26782017, PMID: 27387980, PMID: 30794915). This variant is located in the 5' splice region. Computational tools do suggest an impact to splicing. However, this information is not predictive enough to determine pathogenicity. In summary, although additional studies are required to fully establish its clinical significance, this variant is likely pathogenic for autosomal dominant myosin storage myopathy. ACMG/AMP Criteria applied: PS1_Supporting, PS2_Moderate, PM1_Supporting, PM2_Supporting, PP3 (Richards 2015).

NM_000257.4(MYH7):c.5655+1G>C

Gene: MYH7 (myosin heavy chain 7; minus strand). Cytogenetic location: 14q11.2.
Variant type: single nucleotide variant.
Coding change: c.5655+1G>C on transcript NM_000257.4 (MANE Select); the canonical splice donor site of the intron after coding-DNA position 5655, G replaced by C.
Molecular consequence: splice donor variant.
Genome position (GRCh38, 1-based): chr14:23,414,006, C>G on the plus strand (G>C on the coding strand, the complement: MYH7 is on the minus strand). VCF-style: chr14-23414006-C-G. GRCh37 (hg19) VCF-style: chr14-23883215-C-G.
Other names: c.5655+1G>C (NM_000257.3, NM_001407004.1).
Identifiers: ClinVar variation 986378 (VCV000986378.4), dbSNP rs1892079951, ClinGen allele CA389034769.